The following is an entry in ClinVar:

NM_006922.4(SCN3A):c.4315G>A (p.Glu1439Lys)

Gene: SCN3A (sodium voltage-gated channel alpha subunit 3; minus strand). Cytogenetic location: 2q24.3.
Variant type: single nucleotide variant.
Coding change: c.4315G>A on transcript NM_006922.4 (MANE Select); coding-DNA position 4315, G replaced by A.
Protein change: p.Glu1439Lys; replaces glutamic acid 1439 with lysine.
Molecular consequence: missense variant.
Genome position (GRCh38, 1-based): chr2:165,095,627, C>T on the plus strand (G>A on the coding strand, the complement: SCN3A is on the minus strand). VCF-style: chr2-165095627-C-T. GRCh37 (hg19) VCF-style: chr2-165952137-C-T.
Other names: c.4168G>A, p.Glu1390Lys (NM_001081676.2, NM_001081677.2); short protein forms E1439K, E1390K.
Identifiers: ClinVar variation 3663347 (VCV003663347.2).

ClinVar aggregate classification (germline): Uncertain significance (1 of 4 stars; one submission).

Submission:

Labcorp Genetics (formerly Invitae), Labcorp
Classification: Uncertain significance. Last evaluated: 2024-08-24. Review status: criteria provided, single submitter. Criteria: Invitae Variant Classification Sherloc (09022015). Collection method: clinical testing. Allele origin: germline.
Comment: This sequence change replaces glutamic acid, which is acidic and polar, with lysine, which is basic and polar, at codon 1439 of the SCN3A protein (p.Glu1439Lys). This variant is not present in population databases (gnomAD no frequency). This variant has not been reported in the literature in individuals affected with SCN3A-related conditions. Invitae Evidence Modeling of protein sequence and biophysical properties (such as structural, functional, and spatial information, amino acid conservation, physicochemical variation, residue mobility, and thermodynamic stability) indicates that this missense variant is expected to disrupt SCN3A protein function with a positive predictive value of 80%. In summary, the available evidence is currently insufficient to determine the role of this variant in disease. Therefore, it has been classified as a Variant of Uncertain Significance.